The following is an entry in ClinVar:

NM_000631.5(NCF4):c.307G>A (p.Glu103Lys)

Genes: NCF4 (neutrophil cytosolic factor 4; plus strand), NCF4-AS1 (NCF4 antisense RNA 1; minus strand). Cytogenetic location: 22q12.3.
Variant type: single nucleotide variant.
Coding change: c.307G>A on transcript NM_000631.5 (MANE Select); coding-DNA position 307, G replaced by A.
Protein change: p.Glu103Lys; replaces glutamic acid 103 with lysine.
Molecular consequence: missense variant.
Genome position (GRCh38, 1-based): chr22:36,867,427, G>A. VCF-style: chr22-36867427-G-A. GRCh37 (hg19) VCF-style: chr22-37263469-G-A.
Other names: c.307G>A, p.Glu103Lys (NM_013416.4); short protein forms E103K.
Identifiers: ClinVar variation 1949122 (VCV001949122.5), dbSNP rs1440444385, ClinGen allele CA411381270.
Genomic context (GRCh38, chr22:36,867,427, plus strand): 5'-AGGACAGCTCTTTGTCTCTTCTCAGCCAAAGTCTACGTGGGTGTGAAACAGGAGATCGCC[G>A]AGATGCGGATACCTGCCCTCAACGCCTACATGAAGGTACCAGTGGGCCTTGCCACCTTGG-3'
Protein context (NP_000622.2, residues 93-113): VYVGVKQEIA[Glu103Lys]MRIPALNAYM

ClinVar aggregate classification (germline): Uncertain significance (1 of 4 stars; one submission).

Conditions:
Granulomatous disease, chronic, autosomal recessive, cytochrome b-positive, type 3. Also called: Granulomatous disease, chronic, autosomal recessive, cytochrome b-positive, type III; GRANULOMATOUS DISEASE, CHRONIC, DUE TO NCF4 DEFICIENCY; GRANULOMATOUS DISEASE, CHRONIC, AUTOSOMAL RECESSIVE, 3; CGD, AUTOSOMAL RECESSIVE CYTOCHROME b-POSITIVE, TYPE III. Identifiers: Orphanet 379, MedGen C3151409, MONDO:0013507, OMIM 613960.

Allele frequency attached by ClinVar (database versions not stated): TOPMed below 0.00001.
gnomAD v4.1: 9 of 1,614,202 alleles (0.00056%); highest among the groups gnomAD compares: East Asian, 0.0067%; no homozygotes.

Submission:

Labcorp Genetics (formerly Invitae), Labcorp
Classification: Uncertain significance for Granulomatous disease, chronic, autosomal recessive, cytochrome b-positive, type 3. Last evaluated: 2021-12-20. Review status: criteria provided, single submitter. Criteria: Invitae Variant Classification Sherloc (09022015). Collection method: clinical testing. Allele origin: germline.
Comment: This sequence change replaces glutamic acid, which is acidic and polar, with lysine, which is basic and polar, at codon 103 of the NCF4 protein (p.Glu103Lys). This variant is present in population databases (no rsID available, gnomAD 0.006%). This variant has not been reported in the literature in individuals affected with NCF4-related conditions. Algorithms developed to predict the effect of missense changes on protein structure and function are either unavailable or do not agree on the potential impact of this missense change (SIFT: "Deleterious"; PolyPhen-2: "Probably Damaging"; Align-GVGD: "Class C0"). In summary, the available evidence is currently insufficient to determine the role of this variant in disease. Therefore, it has been classified as a Variant of Uncertain Significance.